The following is an entry in ClinVar:

NM_000059.4(BRCA2):c.10217A>G (p.Lys3406Arg)

Gene: BRCA2 (BRCA2 DNA repair associated; plus strand). Cytogenetic location: 13q13.1.
Variant type: single nucleotide variant.
Coding change: c.10217A>G on transcript NM_000059.4 (MANE Select); coding-DNA position 10217, A replaced by G.
Protein change: p.Lys3406Arg; replaces lysine 3406 with arginine.
Molecular consequence: missense variant.
Genome position (GRCh38, 1-based): chr13:32,398,730, A>G. VCF-style: chr13-32398730-A-G. GRCh37 (hg19) VCF-style: chr13-32972867-A-G.
Other names: short protein forms K3406R.
Identifiers: ClinVar variation 822025 (VCV000822025.4), dbSNP rs1593202487, ClinGen allele CA387768505.

ClinVar aggregate classification (germline): Uncertain significance (1 of 4 stars; one submission).

Conditions:
Hereditary cancer-predisposing syndrome. Also called: Tumor predisposition; Hereditary Cancer Syndrome; Neoplastic Syndromes, Hereditary; Hereditary neoplastic syndrome. Identifiers: Orphanet 140162, MedGen C0027672, MeSH D009386, MONDO:0015356.

Submission:

Ambry Genetics
Classification: Uncertain significance for Hereditary cancer-predisposing syndrome. Last evaluated: 2018-05-22. Review status: criteria provided, single submitter. Criteria: Ambry Variant Classification Scheme 2023. Collection method: clinical testing. Allele origin: germline.
Comment: The p.K3406R variant (also known as c.10217A>G), located in coding exon 26 of the BRCA2 gene, results from an A to G substitution at nucleotide position 10217. The lysine at codon 3406 is replaced by arginine, an amino acid with highly similar properties. This amino acid position is poorly conserved in available vertebrate species. In addition, this alteration is predicted to be tolerated by in silico analysis. Since supporting evidence is limited at this time, the clinical significance of this alteration remains unclear.